The following is an entry in ClinVar:

ClinVar aggregate classification (germline): Benign. Review status: criteria provided, multiple submitters, no conflicts (2 of 4 stars). 3 submissions from 3 submitters: Benign (2). 1 of the submissions does not count toward it. Last evaluated 2026-01-27.

Conditions:
SH2B1-related disorder. Also called: SH2B1-related condition.

Allele frequency attached by ClinVar (database versions not stated): 1000 Genomes Project 0.00559; 1000 Genomes Project 30x 0.00593; ExAC 0.01017; ESP Exome Variant Server 0.01024; gnomAD exomes 0.01099 and 0.01262; gnomAD 0.01151 and 0.01204; TOPMed 0.01313.

Submissions (3):

Labcorp Genetics (formerly Invitae), Labcorp
Classification: Benign. Last evaluated: 2026-01-27. Review status: criteria provided, single submitter. Criteria: Invitae Variant Classification Sherloc (09022015). Collection method: clinical testing. Allele origin: germline.

Breakthrough Genomics
Classification: Benign. Review status: criteria provided, single submitter. Criteria: ACMG Guidelines, 2015. Collection method: not provided. Allele origin: germline. Inheritance: Unknown mechanism. Affected: yes.

PreventionGenetics, part of Exact Sciences
Classification: Benign for SH2B1-related condition. Last evaluated: 2019-05-24. Review status: no assertion criteria provided. Collection method: clinical testing. Allele origin: germline. Not counted in ClinVar's aggregate classification.
Comment: This variant is classified as benign based on ACMG/AMP sequence variant interpretation guidelines (Richards et al. 2015 PMID: 25741868, with internal and published modifications).

NM_001387430.1(SH2B1):c.1513+5C>T

Gene: SH2B1 (SH2B adaptor protein 1; plus strand). Cytogenetic location: 16p11.2.
Variant type: single nucleotide variant.
Coding change: c.1513+5C>T on transcript NM_001387430.1 (MANE Select); 5 bases into the intron after coding-DNA position 1513, C replaced by T.
Molecular consequence: intron variant.
Genome position (GRCh38, 1-based): chr16:28,871,988, C>T. VCF-style: chr16-28871988-C-T. GRCh37 (hg19) VCF-style: chr16-28883309-C-T.
Other names: c.1513+5C>T (NM_001145795.1, NM_001308293.2, NM_001387404.1 and 5 more transcripts); c.505+5C>T (NM_001308294.2).
Identifiers: ClinVar variation 1610865 (VCV001610865.11), dbSNP rs117918991, ClinGen allele CA7986224.